The following is an entry in ClinVar:

ClinVar aggregate classification (germline): Conflicting classifications of pathogenicity. Review status: criteria provided, conflicting classifications (1 of 4 stars). 3 submissions from 3 submitters: Uncertain significance (2); Likely benign (1). Last evaluated 2026-03-27.

Conditions:
Osteogenesis imperfecta type I (OI1). Also called: Lobstein disease; Osteogenesis imperfecta type 1; Lobstein's Disease; Classic Non-deforming Osteogenesis Imperfecta with Blue Sclerae; OI, TYPE I; OSTEOGENESIS IMPERFECTA TARDA. Identifiers: Orphanet 216796, Orphanet 666, MedGen C0023931, MONDO:0008146, OMIM 166200. Disease mechanism: loss of function.
Cardiovascular phenotype. Identifiers: MedGen CN230736.

Allele frequency attached by ClinVar (database versions not stated): gnomAD exomes 0.00001 and 0.00002; 1000 Genomes Project 30x 0.00016; 1000 Genomes Project 0.00040.
gnomAD v4.1: 10 of 1,510,154 alleles (0.00066%); highest among the groups gnomAD compares: East Asian, 0.0025%; no homozygotes.

Submissions (3):

Molecular Diagnostic Laboratory for Inherited Cardiovascular Disease, Montreal Heart Institute
Classification: Uncertain significance for Cardiovascular phenotype. Last evaluated: 2026-03-27. Review status: criteria provided, single submitter. Criteria: ACMG Guidelines, 2015. Collection method: clinical testing. Allele origin: germline. Affected: yes.
Comment: PM2, PP2

Labcorp Genetics (formerly Invitae), Labcorp
Classification: Likely benign for Osteogenesis imperfecta type I. Last evaluated: 2026-01-14. Review status: criteria provided, single submitter. Criteria: Invitae Variant Classification Sherloc (09022015). Collection method: clinical testing. Allele origin: germline.

GeneDx
Classification: Uncertain significance. Last evaluated: 2021-12-10. Review status: criteria provided, single submitter. Criteria: GeneDx Variant Classification Process June 2021. Collection method: clinical testing. Allele origin: germline. Affected: yes.
Comment: Has not been previously published as pathogenic or benign to our knowledge; Not observed at a significant frequency in large population cohorts (Lek et al., 2016); In silico analysis supports that this missense variant does not alter protein structure/function; Not located in the triple helical region, where the majority of pathogenic missense variants occur (Stenson et al., 2014); Reported in ClinVar as a variant of uncertain significance (ClinVar Variant ID# 644659; Landrum et al., 2016)

NM_000088.4(COL1A1):c.427C>T (p.Pro143Ser)

Gene: COL1A1 (collagen type I alpha 1 chain; minus strand). Cytogenetic location: 17q21.33.
Variant type: single nucleotide variant.
Coding change: c.427C>T on transcript NM_000088.4 (MANE Select); coding-DNA position 427, C replaced by T.
Protein change: p.Pro143Ser; replaces proline 143 with serine.
Molecular consequence: missense variant.
Genome position (GRCh38, 1-based): chr17:50,199,270, G>A on the plus strand (C>T on the coding strand, the complement: COL1A1 is on the minus strand). VCF-style: chr17-50199270-G-A. GRCh37 (hg19) VCF-style: chr17-48276631-G-A.
Other names: short protein forms P143S.
Identifiers: ClinVar variation 644659 (VCV000644659.12), dbSNP rs570526849, ClinGen allele CA291550400.